The following is an entry in ClinVar:

NM_001110556.2(FLNA):c.5873T>C (p.Met1958Thr)

Gene: FLNA (filamin A; minus strand). Cytogenetic location: Xq28.
Variant type: single nucleotide variant.
Coding change: c.5873T>C on transcript NM_001110556.2 (MANE Select); coding-DNA position 5873, T replaced by C.
Protein change: p.Met1958Thr; replaces methionine 1958 with threonine.
Molecular consequence: missense variant.
Genome position (GRCh38, 1-based): chrX:154,353,445, A>G on the plus strand (T>C on the coding strand, the complement: FLNA is on the minus strand). VCF-style: chrX-154353445-A-G. GRCh37 (hg19) VCF-style: chrX-153581813-A-G.
Other names: c.5849T>C, p.Met1950Thr (NM_001456.4); short protein forms M1950T, M1958T.
Identifiers: ClinVar variation 2943357 (VCV002943357.3), dbSNP rs587780336, ClinGen allele CA415198368.

ClinVar aggregate classification (germline): Uncertain significance (1 of 4 stars; one submission).

Conditions:
Oto-palato-digital syndrome, type II (OPD2). Also called: FACIOPALATOOSSEOUS SYNDROME; OPD II SYNDROME; Otopalatodigital Syndrome, Type II; Otopalatodigital Syndrome Type 2 (FLNA-OPD2). Identifiers: Orphanet 669, Orphanet 90652, MedGen C1844696, MONDO:0010571, OMIM 304120.
Heterotopia, periventricular, X-linked dominant (PVNH1). Also called: PERIVENTRICULAR NODULAR HETEROTOPIA 1; X-linked periventricular heterotopia; PERIVENTRICULAR NODULAR HETEROTOPIA 4; HETEROTOPIA, PERIVENTRICULAR, 1. Identifiers: Orphanet 2149, Orphanet 82004, MedGen C1848213, MONDO:0010233, OMIM 300049.
Frontometaphyseal dysplasia (FMD1). Identifiers: Orphanet 1826, MedGen C0265293, MONDO:0015942.
Melnick-Needles syndrome (MNS). Also called: MELNICK-NEEDLES OSTEODYSPLASTY; OSTEODYSPLASTY OF MELNICK AND NEEDLES; Melnick-Needles Syndrome (FLNA-MNS). Identifiers: Orphanet 2484, MedGen C0025237, MONDO:0010650, OMIM 309350.

Submission:

Labcorp Genetics (formerly Invitae), Labcorp
Classification: Uncertain significance for Oto-palato-digital syndrome, type II; Heterotopia, periventricular, X-linked dominant; Frontometaphyseal dysplasia; Melnick-Needles syndrome. Last evaluated: 2023-01-17. Review status: criteria provided, single submitter. Criteria: Invitae Variant Classification Sherloc (09022015). Collection method: clinical testing. Allele origin: germline.
Comment: This variant has not been reported in the literature in individuals affected with FLNA-related conditions. This variant is not present in population databases (gnomAD no frequency). This sequence change replaces methionine, which is neutral and non-polar, with threonine, which is neutral and polar, at codon 1950 of the FLNA protein (p.Met1950Thr). Advanced modeling of protein sequence and biophysical properties (such as structural, functional, and spatial information, amino acid conservation, physicochemical variation, residue mobility, and thermodynamic stability) performed at Invitae indicates that this missense variant is not expected to disrupt FLNA protein function. In summary, the available evidence is currently insufficient to determine the role of this variant in disease. Therefore, it has been classified as a Variant of Uncertain Significance.